The following is an entry in ClinVar:

ClinVar aggregate classification (germline): Likely benign. Review status: criteria provided, multiple submitters, no conflicts (2 of 4 stars). 3 submissions from 3 submitters: Likely benign (2). 1 of the submissions does not count toward it. Last evaluated 2025-10-18.

Conditions:
Leukocyte adhesion deficiency 1 (LAD1). Also called: LAD 1; Lymphocyte function-associated antigen 1 immunodeficiency; LFA 1 immunodeficiency; LEUKOCYTE ADHESION DEFICIENCY, TYPE I. Identifiers: Orphanet 2968, Orphanet 99842, MedGen C0398738, MONDO:0007293, OMIM 116920.
ITGB2-related disorder. Also called: ITGB2-related condition.

Allele frequency attached by ClinVar (database versions not stated): 1000 Genomes Project 30x 0.00016; 1000 Genomes Project 0.00020.
gnomAD v4.1: 77 of 1,605,876 alleles (0.0048%); highest among the groups gnomAD compares: South Asian, 0.012%; no homozygotes.

Submissions (3):

Labcorp Genetics (formerly Invitae), Labcorp
Classification: Likely benign for Leukocyte adhesion deficiency 1. Last evaluated: 2025-10-18. Review status: criteria provided, single submitter. Criteria: Invitae Variant Classification Sherloc (09022015). Collection method: clinical testing. Allele origin: germline.

Blueprint Genetics
Classification: Likely benign. Last evaluated: 2024-06-06. Review status: criteria provided, single submitter. Criteria: ACMG Guidelines, 2015. Collection method: clinical testing. Allele origin: germline.

PreventionGenetics, part of Exact Sciences
Classification: Likely benign for ITGB2-related condition. Last evaluated: 2019-04-01. Review status: no assertion criteria provided. Collection method: clinical testing. Allele origin: germline. Not counted in ClinVar's aggregate classification.
Comment: This variant is classified as likely benign based on ACMG/AMP sequence variant interpretation guidelines (Richards et al. 2015 PMID: 25741868, with internal and published modifications).

NM_000211.5(ITGB2):c.2080+9G>A

Gene: ITGB2 (integrin subunit beta 2; minus strand). Cytogenetic location: 21q22.3.
Variant type: single nucleotide variant.
Coding change: c.2080+9G>A on transcript NM_000211.5 (MANE Select); 9 bases into the intron after coding-DNA position 2080, G replaced by A.
Molecular consequence: intron variant.
Genome position (GRCh38, 1-based): chr21:44,888,684, C>T on the plus strand (G>A on the coding strand, the complement: ITGB2 is on the minus strand). VCF-style: chr21-44888684-C-T. GRCh37 (hg19) VCF-style: chr21-46308599-C-T.
Other names: c.2080+9G>A (NM_001127491.3, NM_000211.4); c.1873+9G>A (NM_001303238.2).
Identifiers: ClinVar variation 1604803 (VCV001604803.11), dbSNP rs201448757, ClinGen allele CA10062588.